The following is an entry in ClinVar:

NM_020975.6(RET):c.2110G>T (p.Val704Phe)

Gene: RET (ret proto-oncogene; plus strand). Cytogenetic location: 10q11.21.
Variant type: single nucleotide variant.
Coding change: c.2110G>T on transcript NM_020975.6 (MANE Select); coding-DNA position 2110, G replaced by T.
Protein change: p.Val704Phe; replaces valine 704 with phenylalanine.
Molecular consequence: missense variant.
Genome position (GRCh38, 1-based): chr10:43,114,710, G>T. VCF-style: chr10-43114710-G-T. GRCh37 (hg19) VCF-style: chr10-43610158-G-T.
Other names: c.2110G>T, p.Val704Phe (NM_000323.2, NM_001406743.1, NM_001406744.1 and 4 more transcripts); c.1348G>T, p.Val450Phe (NM_001355216.2); c.1981G>T, p.Val661Phe (NM_001406761.1, NM_001406762.1, NM_001406764.1); c.1975G>T, p.Val659Phe (NM_001406763.1, NM_001406765.1); c.1822G>T, p.Val608Phe (NM_001406766.1, NM_001406767.1, NM_001406770.1); c.1384G>T, p.Val462Phe (NM_001406778.1, NM_001406775.1, NM_001406776.1 and 1 more transcripts); c.1213G>T, p.Val405Phe (NM_001406779.1, NM_001406780.1, NM_001406781.1 and 1 more transcripts); c.1084G>T, p.Val362Phe (NM_001406783.1, NM_001406786.1); and 10 more; short protein forms V704F, V450F, V221F, V269F, V462F, V529F, V572F, V616F.
Identifiers: ClinVar variation 372088 (VCV000372088.27), dbSNP rs927029236, ClinGen allele CA16042118.

ClinVar aggregate classification (germline): Uncertain significance. Review status: criteria provided, multiple submitters, no conflicts (2 of 4 stars). 12 submissions from 11 submitters: Uncertain significance (10). 2 of the submissions do not count toward it. Last evaluated 2026-01-21.

Conditions:
Multiple endocrine neoplasia type 2B. Also called: WAGENMANN-FROBOESE SYNDROME; MULTIPLE ENDOCRINE NEOPLASIA, TYPE III; MULTIPLE ENDOCRINE NEOPLASIA, TYPE IIB; MEN IIB; NEUROMATA, MUCOSAL, WITH ENDOCRINE TUMORS; MEN 2B. Identifiers: Orphanet 247709, Orphanet 653, MedGen C0025269, MeSH D018814, MONDO:0008082, OMIM 162300.
Hirschsprung disease, susceptibility to, 1 (HSCR1). Also called: RET-Related Hirschsprung Disease. Identifiers: Orphanet 388, MedGen C3888239, MONDO:0007723, OMIM 142623.
Pheochromocytoma. Also called: MAX-Related Hereditary Paraganglioma-Pheochromocytoma Syndrome. Identifiers: Orphanet 29072, MedGen C0031511, MONDO:0008233, OMIM 171300, HP:0002666.
Familial medullary thyroid carcinoma (MTC). Also called: Thyroid cancer, familial medullary; MTC, familial; Familial Medullary Thyroid Carcinoma (FMTC). Identifiers: Orphanet 653, Orphanet 99361, MedGen C1833921, MONDO:0007958, OMIM 155240.
Multiple endocrine neoplasia type 2A. Also called: Multiple Endocrine Neoplasia Type 2A (MEN2A); MULTIPLE ENDOCRINE NEOPLASIA, TYPE IIA; PTC SYNDROME; SIPPLE SYNDROME; MEN 2A; MEN-2A syndrome. Identifiers: Orphanet 247698, Orphanet 653, MedGen C0025268, MeSH D018813, MONDO:0008234, OMIM 171400.
Hereditary cancer-predisposing syndrome. Also called: Tumor predisposition; Hereditary Cancer Syndrome; Hereditary neoplastic syndrome; Neoplastic Syndromes, Hereditary. Identifiers: Orphanet 140162, MedGen C0027672, MeSH D009386, MONDO:0015356.
Multiple endocrine neoplasia, type 2 (MEN2). Identifiers: Orphanet 653, MedGen C4048306, MONDO:0019003. Disease mechanism: gain of function.

Allele frequency attached by ClinVar (database versions not stated): gnomAD 0.00001 and 0.00002; gnomAD exomes 0.00001 and 0.00002; TOPMed 0.00001.
gnomAD v4.1: 17 of 1,611,496 alleles (0.0011%); highest among the groups gnomAD compares: Middle Eastern, 0.033%; no homozygotes.

Submissions (12):

Labcorp Genetics (formerly Invitae), Labcorp
Classification: Uncertain significance for Multiple endocrine neoplasia, type 2. Last evaluated: 2026-01-21. Review status: criteria provided, single submitter. Criteria: Invitae Variant Classification Sherloc (09022015). Collection method: clinical testing. Allele origin: germline.
Comment: This sequence change replaces valine, which is neutral and non-polar, with phenylalanine, which is neutral and non-polar, at codon 704 of the RET protein (p.Val704Phe). This variant is present in population databases (no rsID available, gnomAD 0.009%). This missense change has been observed in individual(s) with hyperparathyroidism and unilateral renal agenesis (PMID: 21900877, 28946813). ClinVar contains an entry for this variant (Variation ID: 372088). An algorithm developed to predict the effect of missense changes on protein structure and function (PolyPhen-2) suggests that this variant is likely to be disruptive. In summary, the available evidence is currently insufficient to determine the role of this variant in disease. Therefore, it has been classified as a Variant of Uncertain Significance.

Women's Health and Genetics/Laboratory Corporation of America, LabCorp
Classification: Uncertain significance. Last evaluated: 2025-10-14. Review status: criteria provided, single submitter. Criteria: LabCorp Variant Classification Summary - May 2015. Collection method: clinical testing. Allele origin: germline.
Comment: Variant summary: RET c.2110G>T (p.Val704Phe) results in a non-conservative amino acid change in the encoded protein sequence. Algorithms developed to predict the effect of missense changes on protein structure and function all suggest that this variant is likely to be disruptive. The variant allele was found at a frequency of 1.6e-05 in 248930 control chromosomes. The available data on variant occurrences in the general population are insufficient to allow any conclusion about variant significance. c.2110G>T has been reported in the literature in individuals affected with Congenital abnormalities of the kidney and urinary tract, without strong evidence for causality (Hwang_2014, Saisawat_2012). These report(s) do not provide unequivocal conclusions about association of the variant with Multiple Endocrine Neoplasia Type 2. To our knowledge, no experimental evidence demonstrating an impact on protein function has been reported. The following publications have been ascertained in the context of this evaluation (PMID: 24429398, 21900877). ClinVar contains an entry for this variant (Variation ID: 372088). Based on the evidence outlined above, the variant was classified as uncertain significance.

Ambry Genetics
Classification: Uncertain significance for Hereditary cancer-predisposing syndrome. Last evaluated: 2025-02-05. Review status: criteria provided, single submitter. Criteria: Ambry Variant Classification Scheme 2023. Collection method: clinical testing. Allele origin: germline.
Comment: The p.V704F variant (also known as c.2110G>T), located in coding exon 11 of the RET gene, results from a G to T substitution at nucleotide position 2110. The valine at codon 704 is replaced by phenylalanine, an amino acid with highly similar properties. This alteration has been reported in individuals with congenital abnormalities of the kidney and urinary tract (CAKUT) (Hwang DY et al. Kidney Int. 2014 Jun;85:1429-33; Saisawat P et al. Kidney Int. 2012 Jan;81:196-200), as well as in an individual with hyperparathyroidism (Lebeault M et al. Thyroid 2017 Dec;27:1511-1522). This amino acid position is well conserved in available vertebrate species. In addition, this alteration is predicted to be deleterious by in silico analysis. Since supporting evidence is limited at this time, the clinical significance of this alteration remains unclear.

Blueprint Genetics
Classification: Uncertain significance. Last evaluated: 2024-09-23. Review status: criteria provided, single submitter. Criteria: ACMG Guidelines, 2015. Collection method: clinical testing. Allele origin: germline.

All of Us Research Program, National Institutes of Health
Classification: Uncertain significance for Multiple endocrine neoplasia, type 2. Last evaluated: 2024-04-16. Review status: criteria provided, single submitter. Criteria: ACMG Guidelines, 2015. Collection method: clinical testing. Allele origin: germline. Inheritance: Autosomal dominant inheritance. Observed: 7 variant alleles, 7 heterozygotes.
Comment: This missense variant replaces valine with phenylalanine at codon 704 of the RET protein. Computational prediction is inconclusive regarding the impact of this variant on protein structure and function (internally defined REVEL score threshold 0.5 < inconclusive < 0.7, PMID: 27666373). To our knowledge, functional studies have not been reported for this variant. This variant has been reported in an individual affected with hyperparathyroidism (PMID: 28946813), and it also has been reported as a heterozygous carrier affected with congenital anomalies of kidney and urinary tract (PMID: 21900877, 24429398). This variant has been identified in 5/280144 chromosomes in the general population by the Genome Aggregation Database (gnomAD). The available evidence is insufficient to determine the role of this variant in disease conclusively. Therefore, this variant is classified as a Variant of Uncertain Significance.

This study involves interpretation of variants in research participants for the purpose of population health screening. Participant phenotype was not available at the time of variant classification. Additional details can be found in publication PMID: 35346344, PMCID: PMC8962531

Quest Diagnostics Nichols Institute San Juan Capistrano
Classification: Uncertain significance. Last evaluated: 2024-04-12. Review status: criteria provided, single submitter. Criteria: Quest Diagnostics criteria. Collection method: clinical testing. Allele origin: unknown.

Fulgent Genetics
Classification: Uncertain significance for Hirschsprung disease, susceptibility to, 1; Familial medullary thyroid carcinoma; Multiple endocrine neoplasia type 2B; Pheochromocytoma; Multiple endocrine neoplasia type 2A. Last evaluated: 2024-03-02. Review status: criteria provided, single submitter. Criteria: ACMG Guidelines, 2015. Collection method: clinical testing. Allele origin: germline.

Baylor Genetics
Classification: Uncertain significance for Hirschsprung disease, susceptibility to, 1. Last evaluated: 2024-03-01. Review status: criteria provided, single submitter. Criteria: ACMG Guidelines, 2015. Collection method: clinical testing. Allele origin: unknown.

Color Diagnostics, LLC DBA Color Health
Classification: Uncertain significance for Multiple endocrine neoplasia, type 2. Last evaluated: 2023-10-19. Review status: criteria provided, single submitter. Criteria: ACMG Guidelines, 2015. Collection method: clinical testing. Allele origin: germline.
Comment: This missense variant replaces valine with phenylalanine at codon 704 of the RET protein. Computational prediction is inconclusive regarding the impact of this variant on protein structure and function. To our knowledge, functional studies have not been reported for this variant. This variant has been reported in an individual affected with hyperparathyroidism (PMID: 28946813), and it also has been reported as a heterozygous carrier affected with congenital anomalies of kidney and urinary tract (PMID: 21900877, 24429398). This variant has been identified in 5/280144 chromosomes in the general population by the Genome Aggregation Database (gnomAD). The available evidence is insufficient to determine the role of this variant in disease conclusively. Therefore, this variant is classified as a Variant of Uncertain Significance.

Myriad Genetics, Inc.
Classification: Uncertain significance for Multiple endocrine neoplasia type 2A. Last evaluated: 2023-04-17. Review status: criteria provided, single submitter. Criteria: Myriad Autosomal Dominant, Autosomal Recessive and X-Linked Classification Criteria (2023). Collection method: clinical testing. Allele origin: unknown.
Comment: This variant is classified as a variant of uncertain significance as there is insufficient evidence to determine its impact on protein function and/or cancer risk.

Counsyl
Classification: Uncertain significance for Multiple endocrine neoplasia type 2B. Last evaluated: 2016-08-03. Review status: no assertion criteria provided. Collection method: clinical testing. Allele origin: unknown. Not counted in ClinVar's aggregate classification.

Counsyl
Classification: Uncertain significance for Multiple endocrine neoplasia type 2A. Last evaluated: 2016-08-03. Review status: no assertion criteria provided. Collection method: clinical testing. Allele origin: unknown. Not counted in ClinVar's aggregate classification.

Literature cited by the submitters: PubMed 21900877 (cited by 6 submitters); PubMed 28946813 (cited by 5 submitters); PubMed 24429398 (cited by 5 submitters).